The following is an entry in ClinVar:

ClinVar aggregate classification (germline): Uncertain significance. Review status: criteria provided, multiple submitters, no conflicts (2 of 4 stars). 2 submissions from 2 submitters: Uncertain significance (2). Last evaluated 2025-10-21.

Conditions:
Galactosylceramide beta-galactosidase deficiency. Also called: GALACTOCEREBROSIDASE DEFICIENCY; GALC DEFICIENCY; GLOBOID CELL LEUKOENCEPHALOPATHY; Leukodystrophy, Globoid Cell; Krabbe Disease. Identifiers: Orphanet 487, MedGen C0023521, MONDO:0009499, OMIM 245200.

Allele frequency attached by ClinVar (database versions not stated): ExAC 0.00001; TOPMed 0.00002; gnomAD 0.00003.
gnomAD v4.1: 12 of 1,612,872 alleles (0.00074%); highest among the groups gnomAD compares: Admixed American, 0.0084%; 1 homozygote.

Submissions (2):

Labcorp Genetics (formerly Invitae), Labcorp
Classification: Uncertain significance for Galactosylceramide beta-galactosidase deficiency. Last evaluated: 2025-10-21. Review status: criteria provided, single submitter. Criteria: Invitae Variant Classification Sherloc (09022015). Collection method: clinical testing. Allele origin: germline.
Comment: This sequence change replaces threonine, which is neutral and polar, with serine, which is neutral and polar, at codon 668 of the GALC protein (p.Thr668Ser). This variant is not present in population databases (gnomAD no frequency). This variant has not been reported in the literature in individuals affected with GALC-related conditions. ClinVar contains an entry for this variant (Variation ID: 2056057). Invitae Evidence Modeling of protein sequence and biophysical properties (such as structural, functional, and spatial information, amino acid conservation, physicochemical variation, residue mobility, and thermodynamic stability) indicates that this missense variant is expected to disrupt GALC protein function with a positive predictive value of 80%. This variant disrupts the p.Thr668 amino acid residue in GALC. Other variant(s) that disrupt this residue have been determined to be pathogenic (PMID: 16607461, 24252386). This suggests that this residue is clinically significant, and that variants that disrupt this residue are likely to be disease-causing. In summary, the available evidence is currently insufficient to determine the role of this variant in disease. Therefore, it has been classified as a Variant of Uncertain Significance.

Blueprint Genetics
Classification: Uncertain significance. Last evaluated: 2024-11-25. Review status: criteria provided, single submitter. Criteria: ACMG Guidelines, 2015. Collection method: clinical testing. Allele origin: germline.

Literature cited by the submitters: PubMed 16607461 (cited by Labcorp Genetics (formerly Invitae), Labcorp); PubMed 24252386 (cited by Labcorp Genetics (formerly Invitae), Labcorp).

NM_000153.4(GALC):c.2003C>G (p.Thr668Ser)

Gene: GALC (galactosylceramidase; minus strand). Cytogenetic location: 14q31.3.
Variant type: single nucleotide variant.
Coding change: c.2003C>G on transcript NM_000153.4 (MANE Select); coding-DNA position 2003, C replaced by G.
Protein change: p.Thr668Ser; replaces threonine 668 with serine.
Molecular consequence: missense variant.
Genome position (GRCh38, 1-based): chr14:87,934,787, G>C on the plus strand (C>G on the coding strand, the complement: GALC is on the minus strand). VCF-style: chr14-87934787-G-C. GRCh37 (hg19) VCF-style: chr14-88401131-G-C.
Other names: c.1934C>G, p.Thr645Ser (NM_001201401.2); c.1925C>G, p.Thr642Ser (NM_001201402.2); short protein forms T668S, T642S, T645S.
Identifiers: ClinVar variation 2056057 (VCV002056057.4), dbSNP rs759515663, ClinGen allele CA7296834.